The following is an entry in ClinVar:

NM_001277115.2(DNAH11):c.5924+1G>A

Gene: DNAH11 (dynein axonemal heavy chain 11; plus strand). Cytogenetic location: 7p15.3.
Variant type: single nucleotide variant.
Coding change: c.5924+1G>A on transcript NM_001277115.2 (MANE Select); the canonical splice donor site of the intron after coding-DNA position 5924, G replaced by A.
Molecular consequence: splice donor variant.
Genome position (GRCh38, 1-based): chr7:21,687,528, G>A. VCF-style: chr7-21687528-G-A. GRCh37 (hg19) VCF-style: chr7-21727146-G-A.
Identifiers: ClinVar variation 2708602 (VCV002708602.3), dbSNP rs886039340, ClinGen allele CA366949886.

ClinVar aggregate classification (germline): Pathogenic (1 of 4 stars; one submission).

Conditions:
Primary ciliary dyskinesia. Also called: Ciliary dyskinesia. Identifiers: Orphanet 244, MedGen C0008780, MONDO:0016575, HP:0012265.

Submission:

Labcorp Genetics (formerly Invitae), Labcorp
Classification: Pathogenic for Primary ciliary dyskinesia. Last evaluated: 2024-08-01. Review status: criteria provided, single submitter. Criteria: Invitae Variant Classification Sherloc (09022015). Collection method: clinical testing. Allele origin: germline.
Comment: This sequence change affects a donor splice site in intron 34 of the DNAH11 gene. It is expected to disrupt RNA splicing. Variants that disrupt the donor or acceptor splice site typically lead to a loss of protein function (PMID: 16199547), and loss-of-function variants in DNAH11 are known to be pathogenic (PMID: 18022865, 20513915, 22184204). This variant is not present in population databases (gnomAD no frequency). Disruption of this splice site has been observed in individuals with clinical features of DNAH11-related conditions (Invitae). Algorithms developed to predict the effect of sequence changes on RNA splicing suggest that this variant may disrupt the consensus splice site. For these reasons, this variant has been classified as Pathogenic.

Literature cited by the submitters: PubMed 16199547; PubMed 18022865; PubMed 20513915; PubMed 22184204.